The following is an entry in ClinVar:

ClinVar aggregate classification (germline): Benign/Likely benign. Review status: criteria provided, multiple submitters, no conflicts (2 of 4 stars). 3 submissions from 3 submitters: Benign (1); Likely benign (2). Last evaluated 2025-02-27.

Conditions:
Hereditary cancer-predisposing syndrome. Also called: Neoplastic Syndromes, Hereditary; Hereditary Cancer Syndrome; Tumor predisposition; Hereditary neoplastic syndrome. Identifiers: Orphanet 140162, MedGen C0027672, MeSH D009386, MONDO:0015356.
Familial cancer of breast. Also called: Hereditary breast cancer; BREAST CANCER, FAMILIAL; hereditary breast carcinoma. Identifiers: Orphanet 227535, MedGen C0346153, MONDO:0016419, OMIM 114480. Disease mechanism: loss of function.
Ataxia-telangiectasia syndrome (AT). Also called: LOUIS-BAR SYNDROME; Cerebello-oculocutaneous telangiectasia; Immunodeficiency with ataxia telangiectasia; Ataxia-telangiectasia, complementation group D; AT, COMPLEMENTATION GROUP C; Ataxia-telangiectasia, complementation group E. Identifiers: Orphanet 100, MedGen C0004135, MONDO:0008840, OMIM 208900.

Allele frequency attached by ClinVar (database versions not stated): gnomAD exomes below 0.00001.
gnomAD v4.1: 5 of 1,604,156 alleles (0.00031%); highest among the groups gnomAD compares: Non-Finnish European, 0.00043%; no homozygotes.

Submissions (3):

Labcorp Genetics (formerly Invitae), Labcorp
Classification: Likely benign for Ataxia-telangiectasia syndrome. Last evaluated: 2025-02-27. Review status: criteria provided, single submitter. Criteria: Invitae Variant Classification Sherloc (09022015). Collection method: clinical testing. Allele origin: germline.

Myriad Genetics, Inc.
Classification: Benign for Familial cancer of breast. Last evaluated: 2024-06-20. Review status: criteria provided, single submitter. Criteria: Myriad Autosomal Dominant, Autosomal Recessive and X-Linked Classification Criteria (2023). Collection method: clinical testing. Allele origin: unknown.
Comment: This variant is considered benign. This variant is a silent/synonymous amino acid change and it is not expected to impact splicing.

Ambry Genetics
Classification: Likely benign for Hereditary cancer-predisposing syndrome. Last evaluated: 2017-07-10. Review status: criteria provided, single submitter. Criteria: Ambry Variant Classification Scheme 2023. Collection method: clinical testing. Allele origin: germline.

NM_000051.4(ATM):c.8655T>C (p.Leu2885=)

Genes: ATM (ATM serine/threonine kinase; plus strand), C11orf65 (chromosome 11 open reading frame 65; minus strand). Cytogenetic location: 11q22.3.
Variant type: single nucleotide variant.
Coding change: c.8655T>C on transcript NM_000051.4 (MANE Select); coding-DNA position 8655, T replaced by C.
Protein change: p.Leu2885=; no amino-acid change (leucine 2885 retained).
Molecular consequence: synonymous variant. On other transcripts: intron variant (2).
Genome position (GRCh38, 1-based): chr11:108,347,349, T>C. VCF-style: chr11-108347349-T-C. GRCh37 (hg19) VCF-style: chr11-108218076-T-C.
Other names: c.8655T>C, p.Leu2885= (NM_001351834.2); c.641-38278A>G (NM_001330368.2); c.695-12057A>G (NM_001351110.2).
Identifiers: ClinVar variation 482741 (VCV000482741.15), dbSNP rs1555139640, ClinGen allele CA476673502.